The following is an entry in ClinVar:

ClinVar aggregate classification (germline): Uncertain significance (1 of 4 stars; one submission).

Conditions:
Inborn genetic diseases. Identifiers: MedGen C0950123, MeSH D030342.

gnomAD v4.1: 1 of 1,614,132 alleles (0.000062%); highest among the groups gnomAD compares: Non-Finnish European, 0.000085%; no homozygotes.

Submission:

Ambry Genetics
Classification: Uncertain significance for Inborn genetic diseases. Last evaluated: 2024-07-26. Review status: criteria provided, single submitter. Criteria: Ambry Variant Classification Scheme 2023. Collection method: clinical testing. Allele origin: germline.
Comment: The c.4930G>A (p.E1644K) alteration is located in exon 35 (coding exon 34) of the CNOT1 gene. This alteration results from a G to A substitution at nucleotide position 4930, causing the glutamic acid (E) at amino acid position 1644 to be replaced by a lysine (K). This variant was not reported in population-based cohorts in the Genome Aggregation Database (gnomAD). This amino acid position is well conserved in available vertebrate species. This missense alteration is located in a region that has a low rate of benign missense variation (Lek, 2016; Firth, 2009). This alteration is predicted to be tolerated by in silico analysis. Based on insufficient or conflicting evidence, the clinical significance of this alteration remains unclear.

NM_016284.5(CNOT1):c.4930G>A (p.Glu1644Lys)

Gene: CNOT1 (CCR4-NOT transcription complex subunit 1; minus strand). Cytogenetic location: 16q21.
Variant type: single nucleotide variant.
Coding change: c.4930G>A on transcript NM_016284.5 (MANE Select); coding-DNA position 4930, G replaced by A.
Protein change: p.Glu1644Lys; replaces glutamic acid 1644 with lysine.
Molecular consequence: missense variant. On other transcripts: non-coding transcript variant (1).
Genome position (GRCh38, 1-based): chr16:58,539,830, C>T on the plus strand (G>A on the coding strand, the complement: CNOT1 is on the minus strand). VCF-style: chr16-58539830-C-T. GRCh37 (hg19) VCF-style: chr16-58573734-C-T.
Other names: c.4915G>A, p.Glu1639Lys (NM_001265612.2); short protein forms E1639K, E1644K.
Identifiers: ClinVar variation 3268189 (VCV003268189.2).